The following is an entry in ClinVar:

ClinVar aggregate classification (germline): Uncertain significance (1 of 4 stars; one submission).

Conditions:
Leigh syndrome (NULS). Also called: Leigh Syndrome (mtDNA deletion); Leigh's syndrome; Leigh Disease; Subacute necrotizing encephalopathy; Necrotizing encephalopathy infantile subacute of Leigh; LEIGH SYNDROME, NUCLEAR. Identifiers: Orphanet 506, MedGen C2931891, MONDO:0009723, OMIM 256000.

Allele frequency attached by ClinVar (database versions not stated): gnomAD 0.00001 and 0.00006; TOPMed 0.00003; gnomAD exomes 0.00006.
gnomAD v4.1: 89 of 1,612,490 alleles (0.0055%); highest among the groups gnomAD compares: South Asian, 0.092%; 1 homozygote.

Submission:

Labcorp Genetics (formerly Invitae), Labcorp
Classification: Uncertain significance for Leigh syndrome. Last evaluated: 2022-09-01. Review status: criteria provided, single submitter. Criteria: Invitae Variant Classification Sherloc (09022015). Collection method: clinical testing. Allele origin: germline.
Comment: This sequence change replaces valine, which is neutral and non-polar, with isoleucine, which is neutral and non-polar, at codon 182 of the SURF1 protein (p.Val182Ile). This variant is present in population databases (rs782638354, gnomAD 0.09%). This missense change has been observed in individual(s) with Leigh syndrome (PMID: 32380162). ClinVar contains an entry for this variant (Variation ID: 1395924). Algorithms developed to predict the effect of missense changes on protein structure and function are either unavailable or do not agree on the potential impact of this missense change (SIFT: "Tolerated"; PolyPhen-2: "Possibly Damaging"; Align-GVGD: "Class C0"). In summary, the available evidence is currently insufficient to determine the role of this variant in disease. Therefore, it has been classified as a Variant of Uncertain Significance.

Literature cited by the submitters: PubMed 32380162.

NM_003172.4(SURF1):c.544G>A (p.Val182Ile)

Gene: SURF1 (SURF1 cytochrome c oxidase assembly factor; minus strand). Cytogenetic location: 9q34.2.
Variant type: single nucleotide variant.
Coding change: c.544G>A on transcript NM_003172.4 (MANE Select); coding-DNA position 544, G replaced by A.
Protein change: p.Val182Ile; replaces valine 182 with isoleucine.
Molecular consequence: missense variant.
Genome position (GRCh38, 1-based): chr9:133,352,738, C>T on the plus strand (G>A on the coding strand, the complement: SURF1 is on the minus strand). VCF-style: chr9-133352738-C-T. GRCh37 (hg19) VCF-style: chr9-136219593-C-T.
Other names: c.217G>A, p.Val73Ile (NM_001280787.1); short protein forms V73I, V182I.
Identifiers: ClinVar variation 1395924 (VCV001395924.5), dbSNP rs782638354, ClinGen allele CA200832517.